The following is an entry in ClinVar:

ClinVar aggregate classification (germline): Likely benign (1 of 4 stars; one submission).

gnomAD v4.1: 3 of 1,614,128 alleles (0.00019%); highest among the groups gnomAD compares: Admixed American, 0.0033%; no homozygotes.

Submission:

CeGaT Center for Human Genetics Tuebingen
Classification: Likely benign. Last evaluated: 2025-05-01. Review status: criteria provided, single submitter. Criteria: CeGaT Center For Human Genetics Tuebingen Variant Classification Criteria Version 2. Collection method: clinical testing. Allele origin: germline. Affected: yes. Observed: 1 variant allele.
Comment: MYH3: PM2:Supporting, BP4, BP7

NM_002470.4(MYH3):c.5043G>C (p.Leu1681=)

Gene: MYH3 (myosin heavy chain 3; minus strand). Cytogenetic location: 17p13.1.
Variant type: single nucleotide variant.
Coding change: c.5043G>C on transcript NM_002470.4 (MANE Select); coding-DNA position 5043, G replaced by C.
Protein change: p.Leu1681=; no amino-acid change (leucine 1681 retained).
Molecular consequence: synonymous variant.
Genome position (GRCh38, 1-based): chr17:10,631,930, C>G on the plus strand (G>C on the coding strand, the complement: MYH3 is on the minus strand). VCF-style: chr17-10631930-C-G. GRCh37 (hg19) VCF-style: chr17-10535247-C-G.
Identifiers: ClinVar variation 3905004 (VCV003905004.10).